The following is an entry in ClinVar:

ClinVar aggregate classification (germline): Conflicting classifications of pathogenicity. Review status: criteria provided, conflicting classifications (1 of 4 stars). 3 submissions from 3 submitters: Uncertain significance (2); Likely benign (1). Last evaluated 2026-01-06.

Conditions:
Bethlem myopathy 1A. Also called: Bethlem myopathy 1; MYOPATHY, BENIGN CONGENITAL, WITH CONTRACTURES; Bethlem Muscular Dystrophy. Identifiers: Orphanet 610, MedGen CN029274, MONDO:0024530, OMIM 158810.

Allele frequency attached by ClinVar (database versions not stated): gnomAD exomes 0.00009 and 0.00017; ExAC 0.00024; gnomAD 0.00068 and 0.00071; TOPMed 0.00071; ESP Exome Variant Server 0.00077; 1000 Genomes Project 30x 0.00078; 1000 Genomes Project 0.00080.
gnomAD v4.1: 245 of 1,613,938 alleles (0.015%); highest among the groups gnomAD compares: African/African-American, 0.25%; 2 homozygotes.

Submissions (3):

Labcorp Genetics (formerly Invitae), Labcorp
Classification: Likely benign for Bethlem myopathy 1A. Last evaluated: 2026-01-06. Review status: criteria provided, single submitter. Criteria: Invitae Variant Classification Sherloc (09022015). Collection method: clinical testing. Allele origin: germline.

GeneDx
Classification: Uncertain significance. Last evaluated: 2025-09-25. Review status: criteria provided, single submitter. Criteria: GeneDx Variant Classification Process June 2021. Collection method: clinical testing. Allele origin: germline. Affected: yes.
Comment: Reported previously in the heterozygous state and as a variant of uncertain significance in a patient with clinically suspected limb girdle muscular dystrophy (LGMD); however, no further clinical information was provided (PMID: 30564623); In silico analysis supports that this missense variant has a deleterious effect on protein structure/function; This variant is associated with the following publications: (PMID: 30564623, 33567613)

Eurofins Ntd Llc (ga)
Classification: Uncertain significance. Last evaluated: 2016-09-28. Review status: criteria provided, single submitter. Criteria: EGL Classification Definitions 2015. Collection method: clinical testing. Allele origin: germline. Observed: 5 variant alleles, 5 heterozygotes.

NM_004369.4(COL6A3):c.1214T>C (p.Phe405Ser)

Gene: COL6A3 (collagen type VI alpha 3 chain; minus strand). Cytogenetic location: 2q37.3.
Variant type: single nucleotide variant.
Coding change: c.1214T>C on transcript NM_004369.4 (MANE Select); coding-DNA position 1214, T replaced by C.
Protein change: p.Phe405Ser; replaces phenylalanine 405 with serine.
Molecular consequence: missense variant. On other transcripts: intron variant (2).
Genome position (GRCh38, 1-based): chr2:237,387,680, A>G on the plus strand (T>C on the coding strand, the complement: COL6A3 is on the minus strand). VCF-style: chr2-237387680-A-G. GRCh37 (hg19) VCF-style: chr2-238296323-A-G.
Other names: c.596T>C, p.Phe199Ser (NM_057165.5, NM_057167.4); c.92-6181T>C (NM_057166.5, NM_057164.5); short protein forms F405S, F199S.
Identifiers: ClinVar variation 284789 (VCV000284789.19), dbSNP rs114549120, ClinGen allele CA2189682.